The following is an entry in ClinVar:

ClinVar aggregate classification (germline): Likely benign. Review status: criteria provided, multiple submitters, no conflicts (2 of 4 stars). 3 submissions from 3 submitters: Likely benign (3). Last evaluated 2024-11-27.

Allele frequency attached by ClinVar (database versions not stated): gnomAD 0.00991; 1000 Genomes Project 30x 0.01374; gnomAD exomes 0.00239; ExAC 0.00315; ESP Exome Variant Server 0.00948.

Submissions (3):

Blueprint Genetics
Classification: Likely benign. Last evaluated: 2024-11-27. Review status: criteria provided, single submitter. Criteria: ACMG Guidelines, 2015. Collection method: clinical testing. Allele origin: germline.

Center for Pediatric Genomic Medicine, Children's Mercy Hospital and Clinics
Classification: Likely benign. Last evaluated: 2017-01-09. Review status: criteria provided, single submitter. Criteria: ACMG Guidelines, 2015. Collection method: clinical testing. Allele origin: germline.
ClinVar note: Converted during submission from Likely Benign to Likely benign.

Breakthrough Genomics
Classification: Likely benign. Review status: criteria provided, single submitter. Criteria: ACMG Guidelines, 2015. Collection method: not provided. Allele origin: germline. Inheritance: Autosomal recessive inheritance. Affected: yes.

NM_004667.6(HERC2):c.4009C>T (p.Leu1337Phe)

Gene: HERC2 (HECT and RLD domain containing E3 ubiquitin protein ligase 2; minus strand). Cytogenetic location: 15q13.1.
Variant type: single nucleotide variant.
Coding change: c.4009C>T on transcript NM_004667.6 (MANE Select); coding-DNA position 4009, C replaced by T.
Protein change: p.Leu1337Phe; replaces leucine 1337 with phenylalanine.
Molecular consequence: missense variant.
Genome position (GRCh38, 1-based): chr15:28,234,279, G>A on the plus strand (C>T on the coding strand, the complement: HERC2 is on the minus strand). VCF-style: chr15-28234279-G-A. GRCh37 (hg19) VCF-style: chr15-28479425-G-A.
Other names: short protein forms L1337F.
Identifiers: ClinVar variation 377360 (VCV000377360.5), dbSNP rs145594989, ClinGen allele CA7442745.